The following is an entry in ClinVar:

NM_005458.8(GABBR2):c.2466G>A (p.Lys822=)

Gene: GABBR2 (gamma-aminobutyric acid type B receptor subunit 2; minus strand). Cytogenetic location: 9q22.33.
Variant type: single nucleotide variant.
Coding change: c.2466G>A on transcript NM_005458.8 (MANE Select); coding-DNA position 2466, G replaced by A.
Protein change: p.Lys822=; no amino-acid change (lysine 822 retained).
Molecular consequence: synonymous variant.
Genome position (GRCh38, 1-based): chr9:98,299,300, C>T on the plus strand (G>A on the coding strand, the complement: GABBR2 is on the minus strand). VCF-style: chr9-98299300-C-T. GRCh37 (hg19) VCF-style: chr9-101061582-C-T.
Identifiers: ClinVar variation 1123252 (VCV001123252.14), dbSNP rs756618371, ClinGen allele CA5152460.
Genomic context (GRCh38, chr9:98,299,300, plus strand): 5'-GTTTCCCAGGTTGAGGATGTCATTGAGCTCTTGGTAGTGGTTCTGTTTAATGTAGGTGGT[C>T]TTTTCTGGTGTGTCCTGCAGCTGCATGGTGACCTCTTCCAAGTCTTTATCCAGCTACAAG-3'
Protein context (NP_005449.5, residues 812-832): VTMQLQDTPE[Lys822=]TTYIKQNHYQ

ClinVar aggregate classification (germline): Likely benign. Review status: criteria provided, multiple submitters, no conflicts (2 of 4 stars). 3 submissions from 3 submitters: Likely benign (2). 1 of the submissions does not count toward it. Last evaluated 2025-12-13.

Conditions:
Epileptic encephalopathy. Identifiers: MedGen C0543888, HP:0200134.
GABBR2-related disorder. Also called: GABBR2-related disorders; GABBR2-related condition.

Allele frequency attached by ClinVar (database versions not stated): gnomAD exomes below 0.00001; ExAC 0.00001; gnomAD 0.00002; TOPMed 0.00003.
gnomAD v4.1: 17 of 1,613,868 alleles (0.0011%); highest among the groups gnomAD compares: African/African-American, 0.0093%; no homozygotes.

Submissions (3):

Labcorp Genetics (formerly Invitae), Labcorp
Classification: Likely benign for Epileptic encephalopathy. Last evaluated: 2025-12-13. Review status: criteria provided, single submitter. Criteria: Invitae Variant Classification Sherloc (09022015). Collection method: clinical testing. Allele origin: germline.

GeneDx
Classification: Likely benign. Last evaluated: 2019-05-14. Review status: criteria provided, single submitter. Criteria: GeneDx Variant Classification Process June 2021. Collection method: clinical testing. Allele origin: germline. Affected: yes.

PreventionGenetics, part of Exact Sciences
Classification: Likely benign for GABBR2-related condition. Last evaluated: 2020-03-17. Review status: no assertion criteria provided. Collection method: clinical testing. Allele origin: germline. Not counted in ClinVar's aggregate classification.
Comment: This variant is classified as likely benign based on ACMG/AMP sequence variant interpretation guidelines (Richards et al. 2015 PMID: 25741868, with internal and published modifications).